The following is an entry in ClinVar:

NM_016532.4(INPP5K):c.915G>A (p.Thr305=)

Gene: INPP5K (inositol polyphosphate-5-phosphatase K; minus strand). Cytogenetic location: 17p13.3.
Variant type: single nucleotide variant.
Coding change: c.915G>A on transcript NM_016532.4 (MANE Select); coding-DNA position 915, G replaced by A.
Protein change: p.Thr305=; no amino-acid change (threonine 305 retained).
Molecular consequence: synonymous variant.
Genome position (GRCh38, 1-based): chr17:1,497,984, C>T on the plus strand (G>A on the coding strand, the complement: INPP5K is on the minus strand). VCF-style: chr17-1497984-C-T. GRCh37 (hg19) VCF-style: chr17-1401278-C-T.
Other names: c.687G>A, p.Thr229= (NM_001135642.2, NM_130766.3).
Identifiers: ClinVar variation 748644 (VCV000748644.27), dbSNP rs747542155, ClinGen allele CA8268433.

ClinVar aggregate classification (germline): Likely benign. Review status: criteria provided, multiple submitters, no conflicts (2 of 4 stars). 2 submissions from 2 submitters: Likely benign (2). Last evaluated 2022-11-01.

Allele frequency attached by ClinVar (database versions not stated): gnomAD 0.00002; TOPMed 0.00002; ExAC 0.00005; gnomAD exomes 0.00006.
gnomAD v4.1: 40 of 1,613,972 alleles (0.0025%); highest among the groups gnomAD compares: South Asian, 0.029%; no homozygotes.

Submissions (2):

CeGaT Center for Human Genetics Tuebingen
Classification: Likely benign. Last evaluated: 2022-11-01. Review status: criteria provided, single submitter. Criteria: CeGaT Center For Human Genetics Tuebingen Variant Classification Criteria Version 2. Collection method: clinical testing. Allele origin: germline. Affected: yes. Observed: 1 variant allele.
Comment: INPP5K: BP4, BP7

Labcorp Genetics (formerly Invitae), Labcorp
Classification: Likely benign. Last evaluated: 2018-06-06. Review status: criteria provided, single submitter. Criteria: Invitae Variant Classification Sherloc (09022015). Collection method: clinical testing. Allele origin: germline.